The following is an entry in ClinVar:

ClinVar aggregate classification (germline): Pathogenic/Likely pathogenic. Review status: criteria provided, multiple submitters, no conflicts (2 of 4 stars). 4 submissions from 4 submitters: Pathogenic (1); Likely pathogenic (2). 1 of the submissions does not count toward it. Last evaluated 2026-08-27.

Conditions:
EZH1-neurodevelopmental syndrome.
EZH1-related disorder.

Submissions (4):

Ambry Genetics
Classification: Likely pathogenic. Last evaluated: 2026-08-27. Review status: criteria provided, single submitter. Criteria: Ambry Variant Classification Scheme 2023. Collection method: clinical testing. Allele origin: germline.
Comment: The c.2033C>G (p.A678G) alteration is located in exon 19 (coding exon 17) of the EZH1 gene. This alteration results from a C to G substitution at nucleotide position 2033, causing the alanine (A) at amino acid position 678 to be replaced by a glycine (G). ; however, its clinical significance for autosomal recessive EZH1-related neurodevelopmental disorder is uncertain. This variant was not reported in population-based cohorts in the Genome Aggregation Database (gnomAD). This variant was reported in individual(s) with features consistent with autosomal dominant EZH1-related neurodevelopmental disorder; in at least one individual, it was determined to be de novo (Gracia-Diaz, 2023; Jangam, 2023). This amino acid position is highly conserved in available vertebrate species. This missense variant is located in a region that has a low rate of benign missense variation (Lek, 2016; Firth, 2009). In multiple assays testing EZH1 function, this variant showed functionally abnormal results (Gracia-Diaz, 2023; Jangam, 2023). Based on the available evidence, this alteration is classified as likely pathogenic.

GeneDx
Classification: Pathogenic. Last evaluated: 2024-09-19. Review status: criteria provided, single submitter. Criteria: GeneDx Variant Classification Process June 2021. Collection method: clinical testing. Allele origin: germline. Affected: yes.
Comment: Published functional studies suggest a damaging effect on EZH1 function (PMID: 37433783); Not observed at significant frequency in large population cohorts (gnomAD); In silico analysis supports that this missense variant has a deleterious effect on protein structure/function; This variant is associated with the following publications: (PMID: 38814056, 37314226, 37433783, 38158391)

Akizu Lab, Children's Hospital Of Philadelphia
Classification: Likely pathogenic for EZH1-neurodevelopmental syndrome. Review status: criteria provided, single submitter. Criteria: ACMG Guidelines, 2015. Collection method: research, in vitro. Allele origin: de novo, not applicable. Affected: yes. Functional consequence: gain_of_function_variant.

Undiagnosed Diseases Network, NIH
Classification: Uncertain significance for EZH1-related disorder. Last evaluated: 2023-07-14. Review status: no assertion criteria provided. Collection method: clinical testing, in vivo. Allele origin: de novo. Inheritance: Autosomal dominant inheritance. Affected: yes. Observed: 1 variant allele, 1 heterozygote. Functional consequence: gain_of_function_variant. Study: Undiagnosed Diseases Network (NIH), UDN. Not counted in ClinVar's aggregate classification.

Literature cited by the submitters: PubMed 37314226 (cited by Ambry Genetics and Undiagnosed Diseases Network, NIH); PubMed 37433783 (cited by Ambry Genetics and Undiagnosed Diseases Network, NIH).

NM_001991.5(EZH1):c.2033C>G (p.Ala678Gly)

Gene: EZH1 (enhancer of zeste 1 polycomb repressive complex 2 subunit; minus strand). Cytogenetic location: 17q21.2.
Variant type: single nucleotide variant.
Coding change: c.2033C>G on transcript NM_001991.5 (MANE Select); coding-DNA position 2033, C replaced by G.
Protein change: p.Ala678Gly; replaces alanine 678 with glycine.
Molecular consequence: missense variant.
Genome position (GRCh38, 1-based): chr17:42,703,805, G>C on the plus strand (C>G on the coding strand, the complement: EZH1 is on the minus strand). VCF-style: chr17-42703805-G-C. GRCh37 (hg19) VCF-style: chr17-40855823-G-C.
Other names: c.2051C>G, p.Ala684Gly (NM_001321079.2); c.2006C>G, p.Ala669Gly (NM_001321081.2); c.1913C>G, p.Ala638Gly (NM_001321082.2); c.2033C>G (NM_001991.4); short protein forms A638G, A669G, A678G, A684G.
Identifiers: ClinVar variation 977755 (VCV000977755.8), dbSNP rs2053293877, ClinGen allele CA399634968.